The following is an entry in ClinVar:

ClinVar aggregate classification (germline): Uncertain significance (1 of 4 stars; one submission).

Submission:

Labcorp Genetics (formerly Invitae), Labcorp
Classification: Uncertain significance. Last evaluated: 2022-01-18. Review status: criteria provided, single submitter. Criteria: Invitae Variant Classification Sherloc (09022015). Collection method: clinical testing. Allele origin: germline.
Comment: In summary, the available evidence is currently insufficient to determine the role of this variant in disease. Therefore, it has been classified as a Variant of Uncertain Significance. Algorithms developed to predict the effect of missense changes on protein structure and function are either unavailable or do not agree on the potential impact of this missense change (SIFT: "Not Available"; PolyPhen-2: "Possibly Damaging"; Align-GVGD: "Not Available"). This variant has not been reported in the literature in individuals affected with CA4-related conditions. This variant is not present in population databases (gnomAD no frequency). This sequence change replaces aspartic acid, which is acidic and polar, with glycine, which is neutral and non-polar, at codon 64 of the CA4 protein (p.Asp64Gly).

NM_000717.5(CA4):c.191A>G (p.Asp64Gly)

Gene: CA4 (carbonic anhydrase 4; plus strand). Cytogenetic location: 17q23.1.
Variant type: single nucleotide variant.
Coding change: c.191A>G on transcript NM_000717.5 (MANE Select); coding-DNA position 191, A replaced by G.
Protein change: p.Asp64Gly; replaces aspartic acid 64 with glycine.
Molecular consequence: missense variant. On other transcripts: non-coding transcript variant (1).
Genome position (GRCh38, 1-based): chr17:60,156,638, A>G. VCF-style: chr17-60156638-A-G. GRCh37 (hg19) VCF-style: chr17-58233999-A-G.
Other names: short protein forms D64G.
Identifiers: ClinVar variation 2077912 (VCV002077912.4), dbSNP rs2544517089, ClinGen allele CA400453591.